The following is an entry in ClinVar:

NM_014946.4(SPAST):c.101C>T (p.Pro34Leu)

Gene: SPAST (spastin; plus strand). Cytogenetic location: 2p22.3.
Variant type: single nucleotide variant.
Coding change: c.101C>T on transcript NM_014946.4 (MANE Select); coding-DNA position 101, C replaced by T.
Protein change: p.Pro34Leu; replaces proline 34 with leucine.
Molecular consequence: missense variant.
Genome position (GRCh38, 1-based): chr2:32,063,932, C>T. VCF-style: chr2-32063932-C-T. GRCh37 (hg19) VCF-style: chr2-32289001-C-T.
Other names: c.101C>T, p.Pro34Leu (NM_001363823.2, NM_001363875.2, NM_001377959.1 and 1 more transcripts); c.101C>T (NM_014946.3); short protein forms P34L.
Identifiers: ClinVar variation 1038883 (VCV001038883.11), dbSNP rs771019519, ClinGen allele CA1600484.
Genomic context (GRCh38, chr2:32,063,932, plus strand): 5'-GCGGCGCCAGCAACCCGGTGCCTCCCAGGCCTCCGCCCCCTTGCCTGGCCCCCGCCCCTC[C>T]CGCCGCCGGGCCGGCCCCTCCGCCCGAGTCGCCGCATAAGCGGAACCTGTACTATTTCTC-3'
Protein context (NP_055761.2, residues 24-44): PPPPCLAPAP[Pro34Leu]AAGPAPPPES

ClinVar aggregate classification (germline): Uncertain significance. Review status: criteria provided, multiple submitters, no conflicts (2 of 4 stars). 2 submissions from 2 submitters: Uncertain significance (2). Last evaluated 2024-08-13.

Conditions:
Hereditary spastic paraplegia 4. Also called: Familial spastic paraplegia autosomal dominant 2; Spastic Paraplegia 4; Spastic paraplegia 4, autosomal dominant. Identifiers: Orphanet 100985, MedGen C1866855, MONDO:0008438, OMIM 182601.

Allele frequency attached by ClinVar (database versions not stated): gnomAD exomes below 0.00001 and 0.00002; TOPMed below 0.00001; ExAC 0.00003.
gnomAD v4.1: 3 of 1,601,060 alleles (0.00019%); highest among the groups gnomAD compares: Admixed American, 0.0017%; no homozygotes.

Submissions (2):

Labcorp Genetics (formerly Invitae), Labcorp
Classification: Uncertain significance for Hereditary spastic paraplegia 4. Last evaluated: 2024-08-13. Review status: criteria provided, single submitter. Criteria: Invitae Variant Classification Sherloc (09022015). Collection method: clinical testing. Allele origin: germline.
Comment: This sequence change replaces proline, which is neutral and non-polar, with leucine, which is neutral and non-polar, at codon 34 of the SPAST protein (p.Pro34Leu). This variant is present in population databases (rs771019519, gnomAD 0.01%). This variant has not been reported in the literature in individuals affected with SPAST-related conditions. ClinVar contains an entry for this variant (Variation ID: 1038883). Advanced modeling of protein sequence and biophysical properties (such as structural, functional, and spatial information, amino acid conservation, physicochemical variation, residue mobility, and thermodynamic stability) has been performed at Invitae for this missense variant, however the output from this modeling did not meet the statistical confidence thresholds required to predict the impact of this variant on SPAST protein function. In summary, the available evidence is currently insufficient to determine the role of this variant in disease. Therefore, it has been classified as a Variant of Uncertain Significance.

Revvity Omics, Revvity
Classification: Uncertain significance for Hereditary spastic paraplegia 4. Last evaluated: 2020-07-31. Review status: criteria provided, single submitter. Criteria: ACMG Guidelines, 2015. Collection method: clinical testing. Allele origin: germline.